The following is an entry in ClinVar:

ClinVar aggregate classification (germline): Likely pathogenic (1 of 4 stars; one submission).

Conditions:
Retinitis pigmentosa 25 (RP25). Identifiers: Orphanet 791, MedGen C1864446, MONDO:0011272, OMIM 602772.

Submission:

Natera, Inc.
Classification: Likely pathogenic for Retinitis pigmentosa type 25. Last evaluated: 2024-08-02. Review status: criteria provided, single submitter. Criteria: Natera Variant Classification Schema (03/2026). Collection method: clinical testing. Allele origin: germline.
Comment: The c.8431_8432insT variant in EYS is a frameshift variant predicted to shift the reading frame beginning at codon 2811 and leads to a stop codon 30 codons downstream. This variant is expected to result in nonsense mediated decay, truncation, or a dysfunctional protein product. This variant is rare in the general population with a frequency below the threshold expected for the associated phenotype(s). Given the available evidence, this variant is classified as Likely Pathogenic.

NM_001142800.2(EYS):c.8431_8432insT (p.Lys2811fs)

Genes: EYS (EGF-like photoreceptor maintenance factor; minus strand), PHF3 (PHD finger protein 3; plus strand). Cytogenetic location: 6q12.
Variant type: Insertion.
Coding change: c.8431_8432insT on transcript NM_001142800.2 (MANE Select); coding-DNA positions 8431 to 8432, T inserted.
Protein change: p.Lys2811fs; shifts the reading frame from lysine 2811.
Molecular consequence: frameshift variant. On other transcripts: 3 prime UTR variant (5).
Genome position: GRCh38 VCF-style: chr6-63721599-T-TA. GRCh37 (hg19) VCF-style: chr6-64431495-T-TA.
Other names: c.*7891_*7892insA (NM_001290259.2, NM_001370348.2, NM_001370349.2 and 2 more transcripts); c.8494_8495insT, p.Lys2832fs (NM_001292009.2); short protein forms K2811fs, K2832fs.
Identifiers: ClinVar variation 4814663 (VCV004814663.1).